The following is an entry in ClinVar:

NM_032638.5(GATA2):c.982C>T (p.Gln328Ter)

Gene: GATA2 (GATA binding protein 2; minus strand). Cytogenetic location: 3q21.3.
Variant type: single nucleotide variant.
Coding change: c.982C>T on transcript NM_032638.5 (MANE Select); coding-DNA position 982, C replaced by T.
Protein change: p.Gln328Ter; replaces glutamine 328 with a stop codon.
Molecular consequence: nonsense.
Genome position (GRCh38, 1-based): chr3:128,483,895, G>A on the plus strand (C>T on the coding strand, the complement: GATA2 is on the minus strand). VCF-style: chr3-128483895-G-A. GRCh37 (hg19) VCF-style: chr3-128202738-G-A.
Other names: c.982C>T, p.Gln328Ter (NM_001145661.2, NM_001145662.1); short protein forms Q328*.
Identifiers: ClinVar variation 1184150 (VCV001184150.1), dbSNP rs2107670346, ClinGen allele CA354404377.
Genomic context (GRCh38, chr3:128,483,895, plus strand): 5'-CCCAGCCACCTGTGCCCGCTCCTACCAGTCTTCGCTTGGGCTTGATGAGTGGTCGGTTCT[G>A]CCCATTCATCTTGTGGTAGAGGCCACAGGCATTGCACAGGTAGTGGCCGGTGCCGTCCCG-3'

ClinVar aggregate classification (germline): Pathogenic (1 of 4 stars; one submission).

Conditions:
Deafness-lymphedema-leukemia syndrome. Also called: Emberger syndrome; Lymphedema, primary, with myelodysplasia. Identifiers: Orphanet 3226, MedGen C3279664, MONDO:0013540, OMIM 614038.
GATA2 deficiency with susceptibility to MDS/AML. Identifiers: MedGen CN300066, MONDO:0042982.

Submission:

Molecular Pathology Research Laboratory, SA Pathology
Classification: Pathogenic for GATA2 deficiency with susceptibility to MDS/AML; Deafness-lymphedema-leukemia syndrome. Last evaluated: 2021-07-06. Review status: criteria provided, single submitter. Criteria: ACMG Guidelines, 2015. Collection method: curation. Allele origin: unknown. Inheritance: Autosomal dominant inheritance. Affected: yes. Observed: 1 variant allele.
Comment: PVS1, PS4_Supporting, PM2

Literature cited by the submitters: PubMed 33510405.